The following is an entry in ClinVar:

NM_017849.4(TMEM127):c.101C>T (p.Ala34Val)

Genes: TMEM127 (transmembrane protein 127; minus strand), LOC129934333 (ATAC-STARR-seq lymphoblastoid silent region 11759; plus strand). Cytogenetic location: 2q11.2.
Variant type: single nucleotide variant.
Coding change: c.101C>T on transcript NM_017849.4 (MANE Select); coding-DNA position 101, C replaced by T.
Protein change: p.Ala34Val; replaces alanine 34 with valine.
Molecular consequence: missense variant.
Genome position (GRCh38, 1-based): chr2:96,265,281, G>A on the plus strand (C>T on the coding strand, the complement: TMEM127 is on the minus strand). VCF-style: chr2-96265281-G-A. GRCh37 (hg19) VCF-style: chr2-96931019-G-A.
Other names: c.101C>T, p.Ala34Val (NM_001193304.3); short protein forms A34V.
Identifiers: ClinVar variation 818277 (VCV000818277.5), dbSNP rs1451389209, ClinGen allele CA347656110.
Genomic context (GRCh38, chr2:96,265,281, plus strand): 5'-AACCAGGCGGGCTCGGCGAGGGCAGTGCACAGCGCCGTGATAGACAGGGCGCCAGGCAGG[G>A]CCGAGGCCAGGCTACGCTCCGGCTGCTTGGGCAGAGCGCTGCCTCCCGGGCTCCTCCGCC-3'
Protein context (NP_060319.1, residues 24-44): PKQPERSLAS[Ala34Val]LPGALSITAL

ClinVar aggregate classification (germline): Uncertain significance (1 of 4 stars; one submission).

Conditions:
Hereditary cancer-predisposing syndrome. Also called: Tumor predisposition; Hereditary neoplastic syndrome; Neoplastic Syndromes, Hereditary; Hereditary Cancer Syndrome. Identifiers: Orphanet 140162, MedGen C0027672, MeSH D009386, MONDO:0015356.

gnomAD v4.1: 3 of 1,566,512 alleles (0.00019%); highest among the groups gnomAD compares: Admixed American, 0.0018%; no homozygotes.

Submission:

Ambry Genetics
Classification: Uncertain significance for Hereditary cancer-predisposing syndrome. Last evaluated: 2024-05-28. Review status: criteria provided, single submitter. Criteria: Ambry Variant Classification Scheme 2023. Collection method: clinical testing. Allele origin: germline.
Comment: The p.A34V variant (also known as c.101C>T), located in coding exon 1 of the TMEM127 gene, results from a C to T substitution at nucleotide position 101. The alanine at codon 34 is replaced by valine, an amino acid with similar properties. This amino acid position is highly conserved in available vertebrate species. In addition, this alteration is predicted to be deleterious by in silico analysis. Since supporting evidence is limited at this time, the clinical significance of this alteration remains unclear.